The following is an entry in ClinVar:

NM_058216.3(RAD51C):c.374G>T (p.Gly125Val)

Gene: RAD51C (RAD51 paralog C; plus strand). Cytogenetic location: 17q22.
Variant type: single nucleotide variant.
Coding change: c.374G>T on transcript NM_058216.3 (MANE Select); coding-DNA position 374, G replaced by T.
Protein change: p.Gly125Val; replaces glycine 125 with valine.
Molecular consequence: missense variant. On other transcripts: non-coding transcript variant (2).
Genome position (GRCh38, 1-based): chr17:58,695,159, G>T. VCF-style: chr17-58695159-G-T. GRCh37 (hg19) VCF-style: chr17-56772520-G-T.
Other names: c.374G>T, p.Gly125Val (NM_002876.4); short protein forms G125V.
Identifiers: ClinVar variation 6824 (VCV000006824.8), dbSNP rs267606998, ClinGen allele CA118526.

ClinVar aggregate classification (germline): Likely pathogenic. Review status: criteria provided, multiple submitters, no conflicts (2 of 4 stars). 5 submissions from 5 submitters: Likely pathogenic (3). 2 of the submissions do not count toward it. Last evaluated 2026-03-31.

Conditions:
Hereditary breast ovarian cancer syndrome. Also called: Hereditary breast and/or ovarian cancer syndrome; BRCA1- and BRCA2-Associated Hereditary Breast and Ovarian Cancer; Hereditary breast and ovarian cancer syndrome; Breast and ovarian cancer; Hereditary breast and ovarian cancer syndrome (HBOC); Hereditary breast and ovarian cancer. Identifiers: Orphanet 145, MedGen C0677776, MeSH D061325, MONDO:0003582. Disease mechanism: loss of function.
Fanconi anemia complementation group O. Also called: RAD51C-Related Fanconi Anemia. Identifiers: Orphanet 84, MedGen C3150653, MONDO:0013248, OMIM 613390.
Breast-ovarian cancer, familial, susceptibility to, 3. Also called: RAD51C-Related Breast/Ovarian Cancer. Identifiers: Orphanet 145, MedGen C3150659, MONDO:0013253, OMIM 613399.

Submissions (5):

Myriad Genetics, Inc.
Classification: Likely pathogenic for Breast-ovarian cancer, familial, susceptibility to, 3. Last evaluated: 2026-03-31. Review status: criteria provided, single submitter. Criteria: Myriad Autosomal Dominant, Autosomal Recessive and X-Linked Classification Criteria (2023). Collection method: clinical testing. Allele origin: unknown.
Comment: This variant is considered likely pathogenic. Functional studies indicate this variant impacts protein function [PMID: 20400964, 22167183, 25292178]. This variant is expected to disrupt protein structure [Myriad internal data]. This variant has shown to segregate with cancer in one or more families [PMID: 20400964].

Labcorp Genetics (formerly Invitae), Labcorp
Classification: Likely pathogenic for Fanconi anemia complementation group O. Last evaluated: 2023-10-28. Review status: criteria provided, single submitter. Criteria: Invitae Variant Classification Sherloc (09022015). Collection method: clinical testing. Allele origin: germline.
Comment: This sequence change replaces glycine, which is neutral and non-polar, with valine, which is neutral and non-polar, at codon 125 of the RAD51C protein (p.Gly125Val). This variant is not present in population databases (gnomAD no frequency). This missense change has been observed in individual(s) with breast cancer and/or hereditary breast and ovarian cancer (PMID: 20400964). It has also been observed to segregate with disease in related individuals. ClinVar contains an entry for this variant (Variation ID: 6824). Advanced modeling of protein sequence and biophysical properties (such as structural, functional, and spatial information, amino acid conservation, physicochemical variation, residue mobility, and thermodynamic stability) performed at Invitae indicates that this missense variant is expected to disrupt RAD51C protein function with a positive predictive value of 80%. Experimental studies have shown that this missense change affects RAD51C function (PMID: 22167183, 23438602, 25292178, 36562461). In summary, the currently available evidence indicates that the variant is pathogenic, but additional data are needed to prove that conclusively. Therefore, this variant has been classified as Likely Pathogenic.

Women's Health and Genetics/Laboratory Corporation of America, LabCorp
Classification: Likely pathogenic for Hereditary breast ovarian cancer syndrome. Last evaluated: 2021-11-03. Review status: criteria provided, single submitter. Criteria: LabCorp Variant Classification Summary - May 2015. Collection method: clinical testing. Allele origin: germline.
Comment: Variant summary: RAD51C c.374G>T (p.Gly125Val) results in a non-conservative amino acid change located in the DNA recombination and repair protein RecA-like, ATP-binding domain (IPR020588) and Rad51/DMC1/RadA domain (IPR033925) of the encoded protein sequence. Five of five in-silico tools predict a damaging effect of the variant on protein function. The variant was absent in 250090 control chromosomes (gnomAD). c.374G>T has been reported in the literature in 3 females from the same family affected with Hereditary Breast And Ovarian Cancer (Meindl_2010). Experimental evidence demonstrated that expression of the variant in cells, exhibited survival identical to control vector RAD51C-deficient cells, and failed to restore normal RAD51 foci formation (Meindl_2010). A ClinVar submitter (evaluation after 2014) cites the variant as pathogenic. Based on the evidence outlined above, the variant was classified as likely pathogenic.

Leiden Open Variation Database
Classification: Pathogenic. Last evaluated: 2020-02-28. Review status: no assertion criteria provided. Collection method: curation. Allele origin: germline. Affected: yes. Not counted in ClinVar's aggregate classification.
Comment: Curator: Arleen D. Auerbach. Submitter to LOVD: Johan den Dunnen.

OMIM
Classification: risk factor for BREAST-OVARIAN CANCER, FAMILIAL, SUSCEPTIBILITY TO, 3. Last evaluated: 2010-05-01. Review status: no assertion criteria provided. Collection method: literature only. Allele origin: germline. Not counted in ClinVar's aggregate classification.

Literature cited by the submitters: PubMed 20400964 (cited by 5 submitters); PubMed 22167183 (cited by Myriad Genetics, Inc. and Labcorp Genetics (formerly Invitae), Labcorp); PubMed 25292178 (cited by Myriad Genetics, Inc. and Labcorp Genetics (formerly Invitae), Labcorp); PubMed 23438602 (cited by Labcorp Genetics (formerly Invitae), Labcorp); PubMed 36562461 (cited by Labcorp Genetics (formerly Invitae), Labcorp).